The following is an entry in ClinVar:

NC_000016.9:g.(?_68771319)_(68771376_?)del

Gene: CDH1 (cadherin 1; plus strand). Cytogenetic location: 16q22.1.
Variant type: Deletion.
Identifiers: ClinVar variation 1458126 (VCV001458126.6).

ClinVar aggregate classification (germline): Pathogenic (1 of 4 stars; one submission).

Conditions:
Hereditary diffuse gastric adenocarcinoma (HDGC). Also called: DIFFUSE GASTRIC AND LOBULAR BREAST CANCER SYNDROME. Identifiers: Orphanet 26106, MedGen C1708349, MONDO:0007648, OMIM 137215.

Submission:

Labcorp Genetics (formerly Invitae), Labcorp
Classification: Pathogenic for Hereditary diffuse gastric adenocarcinoma. Last evaluated: 2022-08-16. Review status: criteria provided, single submitter. Criteria: Invitae Variant Classification Sherloc (09022015). Collection method: clinical testing. Allele origin: germline.
Comment: For these reasons, this variant has been classified as Pathogenic. This variant has not been reported in the literature in individuals affected with CDH1-related conditions. This variant is a gross deletion of the genomic region encompassing exon(s) 1 of the CDH1 gene, which includes the initiator codon. This deletion extends beyond the assayed region for this gene and therefore may encompass additional genes. It is expected to result in an absent or disrupted protein product. Loss-of-function variants in CDH1 are known to be pathogenic (PMID: 15235021, 20373070).

Literature cited by the submitters: PubMed 15235021; PubMed 20373070.